The following is an entry in ClinVar:

NM_000038.6(APC):c.8229T>G (p.Asn2743Lys)

Gene: APC (APC regulator of Wnt signaling pathway; plus strand). Cytogenetic location: 5q22.2.
Variant type: single nucleotide variant.
Coding change: c.8229T>G on transcript NM_000038.6 (MANE Select); coding-DNA position 8229, T replaced by G.
Protein change: p.Asn2743Lys; replaces asparagine 2743 with lysine.
Molecular consequence: missense variant.
Genome position (GRCh38, 1-based): chr5:112,843,823, T>G. VCF-style: chr5-112843823-T-G. GRCh37 (hg19) VCF-style: chr5-112179520-T-G.
Other names: c.8229T>G, p.Asn2743Lys (NM_001127510.3, NM_001354895.2); c.8175T>G, p.Asn2725Lys (NM_001127511.3); c.8283T>G, p.Asn2761Lys (NM_001354896.2); c.8259T>G, p.Asn2753Lys (NM_001354897.2); c.8154T>G, p.Asn2718Lys (NM_001354898.2); c.8145T>G, p.Asn2715Lys (NM_001354899.2); c.8106T>G, p.Asn2702Lys (NM_001354900.2); c.8052T>G, p.Asn2684Lys (NM_001354901.2); and 5 more; short protein forms N2743K, N2725K, N2460K, N2715K, N2617K, N2702K, N2753K, N2642K.
Identifiers: ClinVar variation 567013 (VCV000567013.12), dbSNP rs1561621557, ClinGen allele CA16039196.

ClinVar aggregate classification (germline): Uncertain significance. Review status: criteria provided, multiple submitters, no conflicts (2 of 4 stars). 2 submissions from 2 submitters: Uncertain significance (2). Last evaluated 2023-11-10.

Conditions:
Familial adenomatous polyposis 1 (FAP1). Also called: FAMILIAL ADENOMATOUS POLYPOSIS 1, ATTENUATED; POLYPOSIS, ADENOMATOUS INTESTINAL. Identifiers: MedGen C2713442, MONDO:0021056, OMIM 175100. Disease mechanism: loss of function.
Hereditary cancer-predisposing syndrome. Also called: Neoplastic Syndromes, Hereditary; Tumor predisposition; Hereditary neoplastic syndrome; Hereditary Cancer Syndrome. Identifiers: Orphanet 140162, MedGen C0027672, MeSH D009386, MONDO:0015356.

Submissions (2):

Labcorp Genetics (formerly Invitae), Labcorp
Classification: Uncertain significance for Familial adenomatous polyposis 1. Last evaluated: 2023-11-10. Review status: criteria provided, single submitter. Criteria: Invitae Variant Classification Sherloc (09022015). Collection method: clinical testing. Allele origin: germline.
Comment: This sequence change replaces asparagine, which is neutral and polar, with lysine, which is basic and polar, at codon 2743 of the APC protein (p.Asn2743Lys). This variant is not present in population databases (gnomAD no frequency). This variant has not been reported in the literature in individuals affected with APC-related conditions. ClinVar contains an entry for this variant (Variation ID: 567013). Advanced modeling of protein sequence and biophysical properties (such as structural, functional, and spatial information, amino acid conservation, physicochemical variation, residue mobility, and thermodynamic stability) performed at Invitae indicates that this missense variant is not expected to disrupt APC protein function with a negative predictive value of 95%. In summary, the available evidence is currently insufficient to determine the role of this variant in disease. Therefore, it has been classified as a Variant of Uncertain Significance.

Ambry Genetics
Classification: Uncertain significance for Hereditary cancer-predisposing syndrome. Last evaluated: 2022-04-04. Review status: criteria provided, single submitter. Criteria: Ambry Variant Classification Scheme 2023. Collection method: clinical testing. Allele origin: germline.
Comment: The p.N2743K variant (also known as c.8229T>G), located in coding exon 15 of the APC gene, results from a T to G substitution at nucleotide position 8229. The asparagine at codon 2743 is replaced by lysine, an amino acid with similar properties. This amino acid position is conserved. In addition, in silico predictors for this gene do not accurately predict pathogenicity. Since supporting evidence is limited at this time, the clinical significance of this alteration remains unclear.